The following is an entry in ClinVar:

ClinVar aggregate classification (germline): Uncertain significance (1 of 4 stars; one submission).

Conditions:
Cardiovascular phenotype. Identifiers: MedGen CN230736.
Hereditary cancer-predisposing syndrome. Also called: Neoplastic Syndromes, Hereditary; Tumor predisposition; Hereditary Cancer Syndrome; Hereditary neoplastic syndrome. Identifiers: Orphanet 140162, MedGen C0027672, MeSH D009386, MONDO:0015356.

Submission:

Ambry Genetics
Classification: Uncertain significance for Cardiovascular phenotype; Hereditary cancer-predisposing syndrome. Last evaluated: 2022-03-01. Review status: criteria provided, single submitter. Criteria: Ambry Variant Classification Scheme 2023. Collection method: clinical testing. Allele origin: germline.
Comment: The p.E217Q variant (also known as c.649G>C), located in coding exon 7 of the LZTR1 gene, results from a G to C substitution at nucleotide position 649. The glutamic acid at codon 217 is replaced by glutamine, an amino acid with highly similar properties. This amino acid position is conserved. In addition, this alteration is predicted to be tolerated by in silico analysis. Since supporting evidence is limited at this time, the clinical significance of this alteration remains unclear.

NM_006767.4(LZTR1):c.649G>C (p.Glu217Gln)

Gene: LZTR1 (leucine zipper like post translational regulator 1; plus strand). Cytogenetic location: 22q11.21.
Variant type: single nucleotide variant.
Coding change: c.649G>C on transcript NM_006767.4 (MANE Select); coding-DNA position 649, G replaced by C.
Protein change: p.Glu217Gln; replaces glutamic acid 217 with glutamine.
Molecular consequence: missense variant.
Genome position (GRCh38, 1-based): chr22:20,989,680, G>C. VCF-style: chr22-20989680-G-C. GRCh37 (hg19) VCF-style: chr22-21343969-G-C.
Other names: short protein forms E217Q.
Identifiers: ClinVar variation 1753886 (VCV001753886.2), dbSNP rs1302923931, ClinGen allele CA410780391.